The following is an entry in ClinVar:

NM_020975.6(RET):c.1522+41G>T

Gene: RET (ret proto-oncogene; plus strand). Cytogenetic location: 10q11.21.
Variant type: single nucleotide variant.
Coding change: c.1522+41G>T on transcript NM_020975.6 (MANE Select); 41 bases into the intron after coding-DNA position 1522, G replaced by T.
Molecular consequence: intron variant.
Genome position (GRCh38, 1-based): chr10:43,111,506, G>T. VCF-style: chr10-43111506-G-T. GRCh37 (hg19) VCF-style: chr10-43606954-G-T.
Other names: c.1522+41G>T (NM_020630.7, NM_001406743.1, NM_001406744.1 and 4 more transcripts); c.1126+41G>T (NM_001406772.1, NM_001406769.1); c.1084+41G>T (NM_001406773.1, NM_001406771.1); c.626-593G>T (NM_001406782.1, NM_001406780.1, NM_001406779.1 and 3 more transcripts); c.1393+41G>T (NM_001406764.1, NM_001406762.1, NM_001406761.1 and 1 more transcripts); c.997+41G>T (NM_001406774.1); c.497-593G>T (NM_001406786.1, NM_001406783.1); c.1234+41G>T (NM_001406770.1, NM_001406766.1, NM_001406767.1); and 5 more.
Identifiers: ClinVar variation 3033570 (VCV003033570.2), dbSNP rs1837928495, ClinGen allele CA1905812078.

ClinVar aggregate classification (germline): Likely benign (0 of 4 stars; one submission).

Conditions:
RET-related disorder. Also called: RET-related condition; RET-related disease; RET-related disorders.

Allele frequency attached by ClinVar (database versions not stated): TOPMed 0.00001.

Submission:

PreventionGenetics, part of Exact Sciences
Classification: Likely benign for RET-related condition. Last evaluated: 2019-06-12. Review status: no assertion criteria provided. Collection method: clinical testing. Allele origin: germline.
Comment: This variant is classified as likely benign based on ACMG/AMP sequence variant interpretation guidelines (Richards et al. 2015 PMID: 25741868, with internal and published modifications).